The following is an entry in ClinVar:

ClinVar aggregate classification (germline): Conflicting classifications of pathogenicity. Review status: criteria provided, conflicting classifications (1 of 4 stars). 3 submissions from 3 submitters: Uncertain significance (1); Likely benign (2). Last evaluated 2024-03-16.

Conditions:
Cardiovascular phenotype. Identifiers: MedGen CN230736.

Allele frequency attached by ClinVar (database versions not stated): gnomAD exomes below 0.00001; ExAC 0.00003; TOPMed 0.00005; gnomAD 0.00007; ESP Exome Variant Server 0.00015; 1000 Genomes Project 30x 0.00016; 1000 Genomes Project 0.00020.
gnomAD v4.1: 19 of 1,612,380 alleles (0.0012%); highest among the groups gnomAD compares: African/African-American, 0.02%; 1 homozygote.

Submissions (3):

Labcorp Genetics (formerly Invitae), Labcorp
Classification: Uncertain significance. Last evaluated: 2024-03-16. Review status: criteria provided, single submitter. Criteria: Invitae Variant Classification Sherloc (09022015). Collection method: clinical testing. Allele origin: germline.
Comment: This sequence change replaces threonine, which is neutral and polar, with serine, which is neutral and polar, at codon 221 of the APOA1 protein (p.Thr221Ser). This variant is present in population databases (rs200394039, gnomAD 0.03%). This variant has not been reported in the literature in individuals affected with APOA1-related conditions. ClinVar contains an entry for this variant (Variation ID: 1754560). Advanced modeling of protein sequence and biophysical properties (such as structural, functional, and spatial information, amino acid conservation, physicochemical variation, residue mobility, and thermodynamic stability) performed at Invitae indicates that this missense variant is not expected to disrupt APOA1 protein function with a negative predictive value of 80%. In summary, the available evidence is currently insufficient to determine the role of this variant in disease. Therefore, it has been classified as a Variant of Uncertain Significance.

Blueprint Genetics
Classification: Likely benign. Last evaluated: 2023-05-30. Review status: criteria provided, single submitter. Criteria: ACMG Guidelines, 2015. Collection method: clinical testing. Allele origin: germline.

Ambry Genetics
Classification: Likely benign for Cardiovascular phenotype. Last evaluated: 2021-11-19. Review status: criteria provided, single submitter. Criteria: Ambry Variant Classification Scheme 2023. Collection method: clinical testing. Allele origin: germline.

NM_000039.3(APOA1):c.662C>G (p.Thr221Ser)

Gene: APOA1 (apolipoprotein A1; minus strand). Cytogenetic location: 11q23.3.
Variant type: single nucleotide variant.
Coding change: c.662C>G on transcript NM_000039.3 (MANE Select); coding-DNA position 662, C replaced by G.
Protein change: p.Thr221Ser; replaces threonine 221 with serine.
Molecular consequence: missense variant.
Genome position (GRCh38, 1-based): chr11:116,835,950, G>C on the plus strand (C>G on the coding strand, the complement: APOA1 is on the minus strand). VCF-style: chr11-116835950-G-C. GRCh37 (hg19) VCF-style: chr11-116706666-G-C.
Other names: c.662C>G, p.Thr221Ser (NM_001318017.2, NM_001318018.2); c.335C>G, p.Thr112Ser (NM_001318021.2); short protein forms T221S, T112S.
Identifiers: ClinVar variation 1754560 (VCV001754560.8), dbSNP rs200394039, ClinGen allele CA6289762.
Genomic context (GRCh38, chr11:116,835,950, plus strand): 5'-CCTTGGCGGAGGTCCTCGAGCGCGGGCTTGGCCTTCTCGCTGAGCGTGCTCAGATGCTCG[G>C]TGGCCTTGGCGTGGTACTCGGCCAGTCTGGCGCCGCCGTTCTCCTTGAGAGCCTCAAGGC-3'
Protein context (NP_000030.1, residues 211-231): ARLAEYHAKA[Thr221Ser]EHLSTLSEKA